The following is an entry in ClinVar:

NM_003000.3(SDHB):c.83G>T (p.Gly28Val)

Gene: SDHB (succinate dehydrogenase complex iron sulfur subunit B; minus strand). Cytogenetic location: 1p36.13.
Variant type: single nucleotide variant.
Coding change: c.83G>T on transcript NM_003000.3 (MANE Select); coding-DNA position 83, G replaced by T.
Protein change: p.Gly28Val; replaces glycine 28 with valine.
Molecular consequence: missense variant.
Genome position (GRCh38, 1-based): chr1:17,044,878, C>A on the plus strand (G>T on the coding strand, the complement: SDHB is on the minus strand). VCF-style: chr1-17044878-C-A. GRCh37 (hg19) VCF-style: chr1-17371373-C-A.
Other names: c.83G>T, p.Gly28Val (NM_001407361.1); short protein forms G28V.
Identifiers: ClinVar variation 2625092 (VCV002625092.2), dbSNP rs2101541615, ClinGen allele CA338228395.

ClinVar aggregate classification (germline): Uncertain significance (1 of 4 stars; one submission).

Conditions:
Hereditary cancer-predisposing syndrome. Also called: Tumor predisposition; Hereditary Cancer Syndrome; Hereditary neoplastic syndrome; Neoplastic Syndromes, Hereditary. Identifiers: Orphanet 140162, MedGen C0027672, MeSH D009386, MONDO:0015356.

Submission:

Ambry Genetics
Classification: Uncertain significance for Hereditary cancer-predisposing syndrome. Last evaluated: 2023-08-04. Review status: criteria provided, single submitter. Criteria: Ambry Variant Classification Scheme 2023. Collection method: clinical testing. Allele origin: germline.
Comment: The p.G28V variant (also known as c.83G>T), located in coding exon 2 of the SDHB gene, results from a G to T substitution at nucleotide position 83. The glycine at codon 28 is replaced by valine, an amino acid with dissimilar properties. This amino acid position is conserved. In addition, the in silico prediction for this alteration is inconclusive. Since supporting evidence is limited at this time, the clinical significance of this alteration remains unclear.